The following is an entry in ClinVar:

NM_020461.4(TUBGCP6):c.3712C>T (p.Arg1238Trp)

Gene: TUBGCP6 (tubulin gamma complex component 6; minus strand). Cytogenetic location: 22q13.33.
Variant type: single nucleotide variant.
Coding change: c.3712C>T on transcript NM_020461.4 (MANE Select); coding-DNA position 3712, C replaced by T.
Protein change: p.Arg1238Trp; replaces arginine 1238 with tryptophan.
Molecular consequence: missense variant.
Genome position (GRCh38, 1-based): chr22:50,220,647, G>A on the plus strand (C>T on the coding strand, the complement: TUBGCP6 is on the minus strand). VCF-style: chr22-50220647-G-A. GRCh37 (hg19) VCF-style: chr22-50659076-G-A.
Other names: short protein forms R1238W.
Identifiers: ClinVar variation 844428 (VCV000844428.11), dbSNP rs377564548, ClinGen allele CA10307844.

ClinVar aggregate classification (germline): Uncertain significance. Review status: criteria provided, multiple submitters, no conflicts (2 of 4 stars). 2 submissions from 2 submitters: Uncertain significance (2). Last evaluated 2024-12-30.

Conditions:
Inborn genetic diseases. Identifiers: MedGen C0950123, MeSH D030342.

Allele frequency attached by ClinVar (database versions not stated): gnomAD 0.00003 and 0.00022; gnomAD exomes 0.00005 and 0.00007; ExAC 0.00006; ESP Exome Variant Server 0.00008; TOPMed 0.00035.
gnomAD v4.1: 109 of 1,610,268 alleles (0.0068%); highest among the groups gnomAD compares: Admixed American, 0.012%; no homozygotes.

Submissions (2):

Ambry Genetics
Classification: Uncertain significance for Inborn genetic diseases. Last evaluated: 2024-12-30. Review status: criteria provided, single submitter. Criteria: Ambry Variant Classification Scheme 2023. Collection method: clinical testing. Allele origin: germline.

Labcorp Genetics (formerly Invitae), Labcorp
Classification: Uncertain significance. Last evaluated: 2024-10-24. Review status: criteria provided, single submitter. Criteria: Invitae Variant Classification Sherloc (09022015). Collection method: clinical testing. Allele origin: germline.
Comment: This sequence change replaces arginine, which is basic and polar, with tryptophan, which is neutral and slightly polar, at codon 1238 of the TUBGCP6 protein (p.Arg1238Trp). This variant is present in population databases (rs377564548, gnomAD 0.02%). This variant has not been reported in the literature in individuals affected with TUBGCP6-related conditions. ClinVar contains an entry for this variant (Variation ID: 844428). An algorithm developed to predict the effect of missense changes on protein structure and function (PolyPhen-2) suggests that this variant is likely to be disruptive. In summary, the available evidence is currently insufficient to determine the role of this variant in disease. Therefore, it has been classified as a Variant of Uncertain Significance.